The following is an entry in ClinVar:

NM_152618.3(BBS12):c.1390T>C (p.Cys464Arg)

Gene: BBS12 (Bardet-Biedl syndrome 12; plus strand). Cytogenetic location: 4q27.
Variant type: single nucleotide variant.
Coding change: c.1390T>C on transcript NM_152618.3 (MANE Select); coding-DNA position 1390, T replaced by C.
Protein change: p.Cys464Arg; replaces cysteine 464 with arginine.
Molecular consequence: missense variant.
Genome position (GRCh38, 1-based): chr4:122,743,282, T>C. VCF-style: chr4-122743282-T-C. GRCh37 (hg19) VCF-style: chr4-123664437-T-C.
Other names: c.1390T>C, p.Cys464Arg (NM_001178007.2); c.1390T>C (NM_152618.2); short protein forms C464R.
Identifiers: ClinVar variation 1011082 (VCV001011082.7), dbSNP rs373652329, ClinGen allele CA3069439.

ClinVar aggregate classification (germline): Uncertain significance. Review status: criteria provided, multiple submitters, no conflicts (2 of 4 stars). 5 submissions from 5 submitters: Uncertain significance (3). 2 of the submissions do not count toward it. Last evaluated 2024-05-23.

Conditions:
Bardet-Biedl syndrome 12 (BBS12). Identifiers: Orphanet 110, MedGen C1859570, MONDO:0014440, OMIM 615989.
BBS12-related disorder. Also called: BBS12-related condition.
Bardet-Biedl syndrome (BBS). Identifiers: Orphanet 110, MedGen C0752166, MONDO:0015229.

Allele frequency attached by ClinVar (database versions not stated): gnomAD 0.00001; gnomAD exomes 0.00001 and 0.00006; TOPMed 0.00002; ExAC 0.00005; ESP Exome Variant Server 0.00008.
gnomAD v4.1: 19 of 1,614,084 alleles (0.0012%); highest among the groups gnomAD compares: Admixed American, 0.032%; no homozygotes.

Submissions (5):

Fulgent Genetics
Classification: Uncertain significance for Bardet-Biedl syndrome 12. Last evaluated: 2024-05-23. Review status: criteria provided, single submitter. Criteria: ACMG Guidelines, 2015. Collection method: clinical testing. Allele origin: germline.

Labcorp Genetics (formerly Invitae), Labcorp
Classification: Uncertain significance for Bardet-Biedl syndrome. Last evaluated: 2022-09-26. Review status: criteria provided, single submitter. Criteria: Invitae Variant Classification Sherloc (09022015). Collection method: clinical testing. Allele origin: germline.
Comment: This sequence change replaces cysteine, which is neutral and slightly polar, with arginine, which is basic and polar, at codon 464 of the BBS12 protein (p.Cys464Arg). This variant is present in population databases (rs373652329, gnomAD 0.04%). This variant has not been reported in the literature in individuals affected with BBS12-related conditions. ClinVar contains an entry for this variant (Variation ID: 1011082). Advanced modeling of protein sequence and biophysical properties (such as structural, functional, and spatial information, amino acid conservation, physicochemical variation, residue mobility, and thermodynamic stability) performed at Invitae indicates that this missense variant is expected to disrupt BBS12 protein function. In summary, the available evidence is currently insufficient to determine the role of this variant in disease. Therefore, it has been classified as a Variant of Uncertain Significance.

GeneDx
Classification: Uncertain significance. Last evaluated: 2022-09-06. Review status: criteria provided, single submitter. Criteria: GeneDx Variant Classification Process June 2021. Collection method: clinical testing. Allele origin: germline. Affected: yes.
Comment: In silico analysis supports that this missense variant has a deleterious effect on protein structure/function; Has not been previously published as pathogenic or benign to our knowledge

PreventionGenetics, part of Exact Sciences
Classification: Uncertain significance for BBS12-related condition. Last evaluated: 2023-12-23. Review status: no assertion criteria provided. Collection method: clinical testing. Allele origin: germline. Not counted in ClinVar's aggregate classification.
Comment: The BBS12 c.1390T>C variant is predicted to result in the amino acid substitution p.Cys464Arg. To our knowledge, this variant has not been reported in the literature. This variant is reported in 0.040% of alleles in individuals of Latino descent in gnomAD. At this time, the clinical significance of this variant is uncertain due to the absence of conclusive functional and genetic evidence.

Natera, Inc.
Classification: Uncertain significance for Bardet-Biedl syndrome type 12. Last evaluated: 2020-06-05. Review status: no assertion criteria provided. Collection method: clinical testing. Allele origin: germline. Not counted in ClinVar's aggregate classification.